The following is an entry in ClinVar:

ClinVar aggregate classification (germline): Conflicting classifications of pathogenicity. Review status: criteria provided, conflicting classifications (1 of 4 stars). 2 submissions from 2 submitters: Uncertain significance (1); Likely benign (1). Last evaluated 2025-11-26.

Conditions:
Hereditary cancer-predisposing syndrome. Also called: Tumor predisposition; Hereditary Cancer Syndrome; Hereditary neoplastic syndrome; Neoplastic Syndromes, Hereditary. Identifiers: Orphanet 140162, MedGen C0027672, MeSH D009386, MONDO:0015356.
Gastrointestinal stromal tumor. Also called: Gastrointestinal stroma tumor; Gastrointestinal stromal tumor, somatic. Identifiers: Orphanet 44890, MedGen C0238198, MeSH D046152, MONDO:0011719, OMIM 606764, HP:0100723.

Submissions (2):

Ambry Genetics
Classification: Likely benign for Hereditary cancer-predisposing syndrome. Last evaluated: 2025-11-26. Review status: criteria provided, single submitter. Criteria: Ambry Variant Classification Scheme 2023. Collection method: clinical testing. Allele origin: germline.

Labcorp Genetics (formerly Invitae), Labcorp
Classification: Uncertain significance for Gastrointestinal stromal tumor. Last evaluated: 2023-09-04. Review status: criteria provided, single submitter. Criteria: Invitae Variant Classification Sherloc (09022015). Collection method: clinical testing. Allele origin: germline.
Comment: In summary, the available evidence is currently insufficient to determine the role of this variant in disease. Therefore, it has been classified as a Variant of Uncertain Significance. Algorithms developed to predict the effect of missense changes on protein structure and function output the following: SIFT: "Not Available"; PolyPhen-2: "Benign"; Align-GVGD: "Not Available". The lysine amino acid residue is found in multiple mammalian species, which suggests that this missense change does not adversely affect protein function. ClinVar contains an entry for this variant (Variation ID: 1966303). This variant has not been reported in the literature in individuals affected with KIT-related conditions. This variant is not present in population databases (gnomAD no frequency). This sequence change replaces asparagine, which is neutral and polar, with lysine, which is basic and polar, at codon 77 of the KIT protein (p.Asn77Lys).

NM_000222.3(KIT):c.231T>G (p.Asn77Lys)

Gene: KIT (KIT proto-oncogene, receptor tyrosine kinase; plus strand). Cytogenetic location: 4q12.
Variant type: single nucleotide variant.
Coding change: c.231T>G on transcript NM_000222.3 (MANE Select); coding-DNA position 231, T replaced by G.
Protein change: p.Asn77Lys; replaces asparagine 77 with lysine.
Molecular consequence: missense variant.
Genome position (GRCh38, 1-based): chr4:54,695,675, T>G. VCF-style: chr4-54695675-T-G. GRCh37 (hg19) VCF-style: chr4-55561841-T-G.
Other names: c.231T>G, p.Asn77Lys (NM_001093772.2, NM_001385284.1, NM_001385285.1 and 4 more transcripts); short protein forms N77K.
Identifiers: ClinVar variation 1966303 (VCV001966303.5), dbSNP rs2109661936, ClinGen allele CA356897118.